The following is an entry in ClinVar:

ClinVar aggregate classification (germline): Uncertain significance (1 of 4 stars; one submission).

Conditions:
Developmental and epileptic encephalopathy, 25 (DEE25). Also called: Epileptic encephalopathy, early infantile, 25; Developmental and epileptic encephalopathy 25, with amelogenesis imperfecta; Epileptic encephalopathy, early infantile, 25, with amelogenesis imperfecta. Identifiers: Orphanet 442835, MedGen C4014621, MONDO:0014392, OMIM 615905.

Allele frequency attached by ClinVar (database versions not stated): gnomAD 0.00001; TOPMed below 0.00001.
gnomAD v4.1: 2 of 1,613,294 alleles (0.00012%); highest among the groups gnomAD compares: African/African-American, 0.0027%; no homozygotes.

Submission:

Labcorp Genetics (formerly Invitae), Labcorp
Classification: Uncertain significance for Developmental and epileptic encephalopathy, 25. Last evaluated: 2022-06-27. Review status: criteria provided, single submitter. Criteria: Invitae Variant Classification Sherloc (09022015). Collection method: clinical testing. Allele origin: germline.
Comment: ClinVar contains an entry for this variant (Variation ID: 541964). This variant has not been reported in the literature in individuals affected with SLC13A5-related conditions. This variant is present in population databases (no rsID available, gnomAD 0.01%). This sequence change replaces methionine, which is neutral and non-polar, with leucine, which is neutral and non-polar, at codon 437 of the SLC13A5 protein (p.Met437Leu). In summary, the available evidence is currently insufficient to determine the role of this variant in disease. Therefore, it has been classified as a Variant of Uncertain Significance. Algorithms developed to predict the effect of missense changes on protein structure and function (SIFT, PolyPhen-2, Align-GVGD) all suggest that this variant is likely to be tolerated.

NM_177550.5(SLC13A5):c.1309A>T (p.Met437Leu)

Gene: SLC13A5 (solute carrier family 13 member 5; minus strand). Cytogenetic location: 17p13.1.
Variant type: single nucleotide variant.
Coding change: c.1309A>T on transcript NM_177550.5 (MANE Select); coding-DNA position 1309, A replaced by T.
Protein change: p.Met437Leu; replaces methionine 437 with leucine.
Molecular consequence: missense variant.
Genome position (GRCh38, 1-based): chr17:6,690,907, T>A on the plus strand (A>T on the coding strand, the complement: SLC13A5 is on the minus strand). VCF-style: chr17-6690907-T-A. GRCh37 (hg19) VCF-style: chr17-6594226-T-A.
Other names: c.1309A>T, p.Met437Leu (NM_001143838.3); c.1258A>T, p.Met420Leu (NM_001284509.2); c.1180A>T, p.Met394Leu (NM_001284510.2); short protein forms M437L, M420L, M394L.
Identifiers: ClinVar variation 541964 (VCV000541964.9), dbSNP rs980479909, ClinGen allele CA287383820.